The following is an entry in ClinVar:

ClinVar aggregate classification (germline): Likely benign. Review status: criteria provided, multiple submitters, no conflicts (2 of 4 stars). 2 submissions from 2 submitters: Likely benign (2). Last evaluated 2024-10-08.

Allele frequency attached by ClinVar (database versions not stated): gnomAD exomes below 0.00001; TOPMed below 0.00001; ExAC 0.00001; gnomAD 0.00001.
gnomAD v4.1: 3 of 1,613,902 alleles (0.00019%); highest among the groups gnomAD compares: Non-Finnish European, 0.00025%; no homozygotes.

Submissions (2):

Labcorp Genetics (formerly Invitae), Labcorp
Classification: Likely benign. Last evaluated: 2024-10-08. Review status: criteria provided, single submitter. Criteria: Invitae Variant Classification Sherloc (09022015). Collection method: clinical testing. Allele origin: germline.

CeGaT Center for Human Genetics Tuebingen
Classification: Likely benign. Last evaluated: 2022-09-01. Review status: criteria provided, single submitter. Criteria: CeGaT Center For Human Genetics Tuebingen Variant Classification Criteria Version 2. Collection method: clinical testing. Allele origin: germline. Affected: yes. Observed: 1 variant allele.
Comment: IL21: BP4, BP7

NM_021803.4(IL21):c.39C>T (p.Ile13=)

Genes: IL21 (interleukin 21; minus strand), IL21-AS1 (IL21 antisense RNA 1; plus strand), LOC126807147 (CDK7 strongly-dependent group 2 enhancer GRCh37_chr4:123541308-123542507; plus strand). Cytogenetic location: 4q27.
Variant type: single nucleotide variant.
Coding change: c.39C>T on transcript NM_021803.4 (MANE Select); coding-DNA position 39, C replaced by T.
Protein change: p.Ile13=; no amino-acid change (isoleucine 13 retained).
Molecular consequence: synonymous variant. On other transcripts: non-coding transcript variant (1).
Genome position (GRCh38, 1-based): chr4:122,620,973, G>A on the plus strand (C>T on the coding strand, the complement: IL21 is on the minus strand). VCF-style: chr4-122620973-G-A. GRCh37 (hg19) VCF-style: chr4-123542128-G-A.
Other names: c.39C>T, p.Ile13= (NM_001207006.3).
Identifiers: ClinVar variation 2655070 (VCV002655070.26), dbSNP rs768983768, ClinGen allele CA3069200.